The following is an entry in ClinVar:

NM_145239.3(PRRT2):c.640G>C (p.Ala214Pro)

Genes: MVP-DT (MVP divergent transcript; minus strand), PRRT2 (proline rich transmembrane protein 2; plus strand). Cytogenetic location: 16p11.2.
Variant type: single nucleotide variant.
Coding change: c.640G>C on transcript NM_145239.3 (MANE Select); coding-DNA position 640, G replaced by C.
Protein change: p.Ala214Pro; replaces alanine 214 with proline.
Molecular consequence: missense variant.
Genome position (GRCh38, 1-based): chr16:29,813,694, G>C. VCF-style: chr16-29813694-G-C. GRCh37 (hg19) VCF-style: chr16-29825015-G-C.
Other names: p.A214P:GCC>CCC; c.640G>C, p.Ala214Pro (NM_001256442.2, NM_001256443.2); c.640G>C (NM_001256442.1); short protein forms A214P.
Identifiers: ClinVar variation 206687 (VCV000206687.65), dbSNP rs745594874, ClinGen allele CA317027.

ClinVar aggregate classification (germline): Conflicting classifications of pathogenicity. Review status: criteria provided, conflicting classifications (1 of 4 stars). 9 submissions from 9 submitters: Uncertain significance (1); Benign (4); Likely benign (3). 1 of the submissions does not count toward it. Last evaluated 2026-03-01.

Conditions:
PRRT2-Related Disorder. Also called: PRRT2-related disorders. Identifiers: MedGen CN381059.
Episodic kinesigenic dyskinesia (EKD). Also called: Paroxysmal kinesigenic dyskinesia. Identifiers: Orphanet 98809, MedGen C1868682, MONDO:0044202.
Inborn genetic diseases. Identifiers: MedGen C0950123, MeSH D030342.

Allele frequency attached by ClinVar (database versions not stated): gnomAD 0.00093; 1000 Genomes Project 30x 0.00141; ExAC 0.00151; gnomAD exomes 0.00152.

Submissions (9):

CeGaT Center for Human Genetics Tuebingen
Classification: Likely benign. Last evaluated: 2026-03-01. Review status: criteria provided, single submitter. Criteria: CeGaT Center For Human Genetics Tuebingen Variant Classification Criteria Version 2. Collection method: clinical testing. Allele origin: germline. Affected: yes. Observed: 10 variant alleles.
Comment: PRRT2: BS1

Labcorp Genetics (formerly Invitae), Labcorp
Classification: Benign for Episodic kinesigenic dyskinesia. Last evaluated: 2026-02-03. Review status: criteria provided, single submitter. Criteria: Invitae Variant Classification Sherloc (09022015). Collection method: clinical testing. Allele origin: germline.

Mayo Clinic Laboratories, Mayo Clinic
Classification: Benign. Last evaluated: 2025-06-02. Review status: criteria provided, single submitter. Criteria: ACMG Guidelines, 2015. Collection method: clinical testing. Allele origin: germline. Observed: 5 variant alleles.
Comment: BS1, BS2, BP4

Blueprint Genetics
Classification: Likely benign. Last evaluated: 2024-11-27. Review status: criteria provided, single submitter. Criteria: ACMG Guidelines, 2015. Collection method: clinical testing. Allele origin: germline.

Athena Diagnostics
Classification: Benign. Last evaluated: 2021-03-19. Review status: criteria provided, single submitter. Criteria: Athena Diagnostics criteria. Collection method: clinical testing. Allele origin: unknown.

GeneDx
Classification: Benign. Last evaluated: 2020-01-14. Review status: criteria provided, single submitter. Criteria: GeneDx Variant Classification Process June 2021. Collection method: clinical testing. Allele origin: germline. Affected: yes.
Comment: This variant is associated with the following publications: (PMID: 23496026, 27123484, 22101681, 26598493, 24594579, 27907910, 31124310)

Ambry Genetics
Classification: Likely benign for Inborn genetic diseases. Last evaluated: 2018-04-19. Review status: criteria provided, single submitter. Criteria: Ambry Variant Classification Scheme 2023. Collection method: clinical testing. Allele origin: germline.

Eurofins Ntd Llc (ga)
Classification: Uncertain significance. Last evaluated: 2015-10-22. Review status: criteria provided, single submitter. Criteria: EGL Classification Definitions 2015. Collection method: clinical testing. Allele origin: germline. Observed: 2 variant alleles, 2 heterozygotes.

PreventionGenetics, part of Exact Sciences
Classification: Benign for PRRT2-related condition. Last evaluated: 2024-03-21. Review status: no assertion criteria provided. Collection method: clinical testing. Allele origin: germline. Not counted in ClinVar's aggregate classification.
Comment: This variant is classified as benign based on ACMG/AMP sequence variant interpretation guidelines (Richards et al. 2015 PMID: 25741868, with internal and published modifications).

Literature cited by the submitters: PubMed 22101681 (cited by 3 submitters); PubMed 23496026 (cited by 3 submitters); PubMed 23532549 (cited by Mayo Clinic Laboratories, Mayo Clinic); PubMed 26598493 (cited by Mayo Clinic Laboratories, Mayo Clinic and Ambry Genetics); PubMed 27123484 (cited by 3 submitters); PubMed 31124310 (cited by Mayo Clinic Laboratories, Mayo Clinic and Athena Diagnostics); PubMed 24594579 (cited by Athena Diagnostics and Ambry Genetics).